The following is an entry in ClinVar:

ClinVar aggregate classification (germline): Benign (1 of 4 stars; one submission).

Conditions:
Oligodontia-cancer predisposition syndrome. Also called: TOOTH AGENESIS-COLORECTAL CANCER SYNDROME. Identifiers: Orphanet 300576, MedGen C1837750, MONDO:0012075, OMIM 608615. Disease mechanism: loss of function.

Submission:

Myriad Genetics, Inc.
Classification: Benign for Oligodontia-cancer predisposition syndrome. Last evaluated: 2024-09-25. Review status: criteria provided, single submitter. Criteria: Myriad Autosomal Dominant, Autosomal Recessive and X-Linked Classification Criteria (2023). Collection method: clinical testing. Allele origin: unknown.
Comment: This variant is considered benign. This variant occurs in the non-coding 3' untranslated region of the gene, and is not expected to impact protein function.

NM_004655.4(AXIN2):c.*10T>A

Gene: AXIN2 (axin 2; minus strand). Cytogenetic location: 17q24.1.
Variant type: single nucleotide variant.
Coding change: c.*10T>A on transcript NM_004655.4 (MANE Select); 10 bases downstream of the stop codon, T replaced by A.
Molecular consequence: 3 prime UTR variant.
Genome position (GRCh38, 1-based): chr17:65,529,966, A>T on the plus strand (T>A on the coding strand, the complement: AXIN2 is on the minus strand). VCF-style: chr17-65529966-A-T. GRCh37 (hg19) VCF-style: chr17-63526084-A-T.
Other names: c.*10T>A (NM_001363813.1).
Identifiers: ClinVar variation 3378964 (VCV003378964.1).